The following is an entry in ClinVar:

ClinVar aggregate classification (germline): Uncertain significance (1 of 4 stars; one submission).

Conditions:
Intellectual developmental disorder, autosomal dominant 6, with or without seizures. Also called: GRIN2B-related developmental delay, intellectual disability and autism spectrum disorder; Intellectual disability, autosomal dominant 6. Identifiers: Orphanet 589547, MedGen C3151411, MONDO:0013509, OMIM 613970.
Developmental and epileptic encephalopathy, 27 (DEE27). Also called: Epileptic encephalopathy, early infantile, 27; GRIN2B-Related Neurodevelopmental Disorder. Identifiers: Orphanet 3451, MedGen C4015316, MONDO:0014505, OMIM 616139.

Allele frequency attached by ClinVar (database versions not stated): ExAC 0.00001; gnomAD 0.00001; gnomAD exomes 0.00001; TOPMed 0.00001; ESP Exome Variant Server 0.00008.
gnomAD v4.1: 12 of 1,612,498 alleles (0.00074%); highest among the groups gnomAD compares: Non-Finnish European, 0.001%; no homozygotes.

Submission:

Labcorp Genetics (formerly Invitae), Labcorp
Classification: Uncertain significance for Developmental and epileptic encephalopathy, 27; Intellectual developmental disorder, autosomal dominant 6, with or without seizures. Last evaluated: 2024-02-06. Review status: criteria provided, single submitter. Criteria: Invitae Variant Classification Sherloc (09022015). Collection method: clinical testing. Allele origin: germline.
Comment: This sequence change replaces glycine, which is neutral and non-polar, with arginine, which is basic and polar, at codon 596 of the GRIN2B protein (p.Gly596Arg). This variant is present in population databases (rs377354382, gnomAD 0.0009%). This variant has not been reported in the literature in individuals affected with GRIN2B-related conditions. Advanced modeling of protein sequence and biophysical properties (such as structural, functional, and spatial information, amino acid conservation, physicochemical variation, residue mobility, and thermodynamic stability) performed at Invitae indicates that this missense variant is not expected to disrupt GRIN2B protein function with a negative predictive value of 80%. In summary, the available evidence is currently insufficient to determine the role of this variant in disease. Therefore, it has been classified as a Variant of Uncertain Significance.

NM_000834.5(GRIN2B):c.1786G>C (p.Gly596Arg)

Gene: GRIN2B (glutamate ionotropic receptor NMDA type subunit 2B; minus strand). Cytogenetic location: 12p13.1.
Variant type: single nucleotide variant.
Coding change: c.1786G>C on transcript NM_000834.5 (MANE Select); coding-DNA position 1786, G replaced by C.
Protein change: p.Gly596Arg; replaces glycine 596 with arginine.
Molecular consequence: missense variant.
Genome position (GRCh38, 1-based): chr12:13,608,827, C>G on the plus strand (G>C on the coding strand, the complement: GRIN2B is on the minus strand). VCF-style: chr12-13608827-C-G. GRCh37 (hg19) VCF-style: chr12-13761761-C-G.
Other names: c.1786G>C, p.Gly596Arg (NM_001413992.1); short protein forms G596R.
Identifiers: ClinVar variation 2933093 (VCV002933093.3), dbSNP rs377354382, ClinGen allele CA6461159.